The following is an entry in ClinVar:

ClinVar aggregate classification (germline): Pathogenic (1 of 4 stars; one submission).

Conditions:
Sulfite oxidase deficiency due to molybdenum cofactor deficiency type C. Also called: Molybdenum cofactor deficiency, complementation group C; Molybdenum cofactor deficiency C. Identifiers: Orphanet 308400, Orphanet 833, MedGen C1854990, MONDO:0014212, OMIM 615501.

Submission:

Labcorp Genetics (formerly Invitae), Labcorp
Classification: Pathogenic for Sulfite oxidase deficiency due to molybdenum cofactor deficiency type C. Last evaluated: 2023-10-17. Review status: criteria provided, single submitter. Criteria: Invitae Variant Classification Sherloc (09022015). Collection method: clinical testing. Allele origin: unknown.
Comment: This variant is a gross deletion of the genomic region encompassing exon(s) 12 of the GPHN gene. This variant would be expected to be in-frame, preserving the integrity of the reading frame. This variant has not been reported in the literature in individuals affected with GPHN-related conditions. This variant disrupts a region of the GPHN protein in which other variant(s) (p.Gly408Asp) have been determined to be pathogenic (PMID: 26613940). This suggests that this is a clinically significant region of the protein, and that variants that disrupt it are likely to be disease-causing. For these reasons, this variant has been classified as Pathogenic.

Literature cited by the submitters: PubMed 26613940.

NC_000014.8:g.(?_67555680)_(67555812_?)del

Gene: GPHN (gephyrin; plus strand). Cytogenetic location: 14q23.3.
Variant type: Deletion.
Identifiers: ClinVar variation 3243985 (VCV003243985.1).